The following is an entry in ClinVar:

NM_004606.5(TAF1):c.1774-3T>C

Gene: TAF1 (TATA-box binding protein associated factor 1; plus strand). Cytogenetic location: Xq13.1.
Variant type: single nucleotide variant.
Coding change: c.1774-3T>C on transcript NM_004606.5 (MANE Select); 3 bases into the intron before coding-DNA position 1774, T replaced by C.
Molecular consequence: intron variant.
Genome position (GRCh38, 1-based): chrX:71,382,988, T>C. VCF-style: chrX-71382988-T-C. GRCh37 (hg19) VCF-style: chrX-70602838-T-C.
Other names: c.1774-3T>C (NM_001286074.2); c.1711-3T>C (NM_138923.4).
Identifiers: ClinVar variation 3666536 (VCV003666536.10).

ClinVar aggregate classification (germline): Uncertain significance. Review status: criteria provided, multiple submitters, no conflicts (2 of 4 stars). 2 submissions from 2 submitters: Uncertain significance (2). Last evaluated 2025-10-01.

gnomAD v4.1: 6 of 1,202,754 alleles (0.0005%); highest among the groups gnomAD compares: Non-Finnish European, 0.00056%; no homozygotes.

Submissions (2):

Labcorp Genetics (formerly Invitae), Labcorp
Classification: Uncertain significance. Last evaluated: 2025-10-01. Review status: criteria provided, single submitter. Criteria: Invitae Variant Classification Sherloc (09022015). Collection method: clinical testing. Allele origin: germline.
Comment: This sequence change falls in intron 11 of the TAF1 gene. It does not directly change the encoded amino acid sequence of the TAF1 protein. It affects a nucleotide within the consensus splice site. This variant is present in population databases (no rsID available, gnomAD 0.009%). This variant has not been reported in the literature in individuals affected with TAF1-related conditions. ClinVar contains an entry for this variant (Variation ID: 3666536). Variants that disrupt the consensus splice site are a relatively common cause of aberrant splicing (PMID: 17576681, 9536098). Algorithms developed to predict the effect of sequence changes on RNA splicing suggest that this variant is not likely to affect RNA splicing. In summary, the available evidence is currently insufficient to determine the role of this variant in disease. Therefore, it has been classified as a Variant of Uncertain Significance.

CeGaT Center for Human Genetics Tuebingen
Classification: Uncertain significance. Last evaluated: 2025-08-01. Review status: criteria provided, single submitter. Criteria: CeGaT Center For Human Genetics Tuebingen Variant Classification Criteria Version 2. Collection method: clinical testing. Allele origin: germline. Affected: yes. Observed: 1 variant allele.
Comment: TAF1: PM2, BP4

Literature cited by the submitters: PubMed 17576681 (cited by Labcorp Genetics (formerly Invitae), Labcorp); PubMed 9536098 (cited by Labcorp Genetics (formerly Invitae), Labcorp).